The following is an entry in ClinVar:

ClinVar aggregate classification (germline): Likely benign (1 of 4 stars; one submission).

Submission:

GeneDx
Classification: Likely benign. Last evaluated: 2018-01-18. Review status: criteria provided, single submitter. Criteria: GeneDx Variant Classification (06012015). Collection method: clinical testing. Allele origin: germline. Affected: yes.
Comment: This variant is considered likely benign or benign based on one or more of the following criteria: it is a conservative change, it occurs at a poorly conserved position in the protein, it is predicted to be benign by multiple in silico algorithms, and/or has population frequency not consistent with disease.

NM_000292.3(PHKA2):c.537+11A>C

Gene: PHKA2 (phosphorylase kinase regulatory subunit alpha 2; minus strand). Cytogenetic location: Xp22.13.
Variant type: single nucleotide variant.
Coding change: c.537+11A>C on transcript NM_000292.3 (MANE Select); 11 bases into the intron after coding-DNA position 537, A replaced by C.
Molecular consequence: intron variant.
Genome position (GRCh38, 1-based): chrX:18,948,733, T>G on the plus strand (A>C on the coding strand, the complement: PHKA2 is on the minus strand). VCF-style: chrX-18948733-T-G. GRCh37 (hg19) VCF-style: chrX-18966851-T-G.
Identifiers: ClinVar variation 514436 (VCV000514436.1), dbSNP rs1556013935, ClinGen allele CA658799591.